The following is an entry in ClinVar:

ClinVar aggregate classification (germline): Uncertain significance (1 of 4 stars; one submission).

Conditions:
Immunodeficiency 35 (IMD35). Also called: TYK2 DEFICIENCY; Susceptibility to infection due to TYK2 deficiency; HIES WITH ATYPICAL MYCOBACTERIOSIS, AUTOSOMAL RECESSIVE; HYPER-IgE SYNDROME WITH ATYPICAL MYCOBACTERIOSIS, AUTOSOMAL RECESSIVE. Identifiers: Orphanet 331226, MedGen C1969086, MONDO:0012682, OMIM 611521.

Allele frequency attached by ClinVar (database versions not stated): TOPMed below 0.00001.

Submission:

Labcorp Genetics (formerly Invitae), Labcorp
Classification: Uncertain significance for Immunodeficiency 35. Last evaluated: 2022-08-15. Review status: criteria provided, single submitter. Criteria: Invitae Variant Classification Sherloc (09022015). Collection method: clinical testing. Allele origin: germline.
Comment: In summary, the available evidence is currently insufficient to determine the role of this variant in disease. Therefore, it has been classified as a Variant of Uncertain Significance. Algorithms developed to predict the effect of missense changes on protein structure and function are either unavailable or do not agree on the potential impact of this missense change (SIFT: "Not Available"; PolyPhen-2: "Possibly Damaging"; Align-GVGD: "Not Available"). ClinVar contains an entry for this variant (Variation ID: 968512). This variant has not been reported in the literature in individuals affected with TYK2-related conditions. This variant is not present in population databases (gnomAD no frequency). This sequence change replaces methionine, which is neutral and non-polar, with isoleucine, which is neutral and non-polar, at codon 926 of the TYK2 protein (p.Met926Ile).

NM_003331.5(TYK2):c.2778G>A (p.Met926Ile)

Gene: TYK2 (tyrosine kinase 2; minus strand). Cytogenetic location: 19p13.2.
Variant type: single nucleotide variant.
Coding change: c.2778G>A on transcript NM_003331.5 (MANE Select); coding-DNA position 2778, G replaced by A.
Protein change: p.Met926Ile; replaces methionine 926 with isoleucine.
Molecular consequence: missense variant.
Genome position (GRCh38, 1-based): chr19:10,354,172, C>T on the plus strand (G>A on the coding strand, the complement: TYK2 is on the minus strand). VCF-style: chr19-10354172-C-T. GRCh37 (hg19) VCF-style: chr19-10464848-C-T.
Other names: short protein forms M926I.
Identifiers: ClinVar variation 968512 (VCV000968512.9), dbSNP rs963707334, ClinGen allele CA403988689.